The following is an entry in ClinVar:

NM_000138.5(FBN1):c.4747+4A>G

Gene: FBN1 (fibrillin 1; minus strand). Cytogenetic location: 15q21.1.
Variant type: single nucleotide variant.
Coding change: c.4747+4A>G on transcript NM_000138.5 (MANE Select); 4 bases into the intron after coding-DNA position 4747, A replaced by G.
Molecular consequence: intron variant.
Genome position (GRCh38, 1-based): chr15:48,467,934, T>C on the plus strand (A>G on the coding strand, the complement: FBN1 is on the minus strand). VCF-style: chr15-48467934-T-C. GRCh37 (hg19) VCF-style: chr15-48760131-T-C.
Identifiers: ClinVar variation 924590 (VCV000924590.7), dbSNP rs1430326088, ClinGen allele CA618009249.

ClinVar aggregate classification (germline): Uncertain significance. Review status: criteria provided, multiple submitters, no conflicts (2 of 4 stars). 2 submissions from 2 submitters: Uncertain significance (2). Last evaluated 2024-04-16.

Conditions:
Marfan syndrome (MFS). Also called: Marfan syndrome, classic; Marfan syndrome type 1; Marfan's syndrome; FBN1-Related Marfan Syndrome; MARFAN SYNDROME, TYPE I. Identifiers: Orphanet 284963, Orphanet 558, MedGen C0024796, MONDO:0007947, OMIM 154700.
Familial thoracic aortic aneurysm and aortic dissection (TAAD). Also called: Thoracic aortic aneurysms and dissections. Identifiers: Orphanet 91387, MedGen C4707243, MONDO:0019625.

Allele frequency attached by ClinVar (database versions not stated): TOPMed below 0.00001; gnomAD exomes below 0.00001.

Submissions (2):

All of Us Research Program, National Institutes of Health
Classification: Uncertain significance for Marfan syndrome. Last evaluated: 2024-04-16. Review status: criteria provided, single submitter. Criteria: ACMG Guidelines, 2015. Collection method: clinical testing. Allele origin: germline. Inheritance: Autosomal dominant inheritance. Observed: 2 variant alleles, 2 heterozygotes.
Comment: This variant causes an A>G nucleotide substitution at the +4 position of intron 38 of the FBN1 gene. Splice site prediction tools predict that this variant may have a significant impact on RNA splicing. To our knowledge, RNA studies have not been performed for this variant. This variant has not been reported in individuals affected with cardiovascular disorders in the literature. This variant has been identified in 1/251198 chromosomes in the general population by the Genome Aggregation Database (gnomAD). The available evidence is insufficient to determine the role of this variant in disease conclusively. Therefore, this variant is classified as a Variant of Uncertain Significance.

This study involves interpretation of variants in research participants for the purpose of population health screening. Participant phenotype was not available at the time of variant classification. Additional details can be found in publication PMID: 35346344, PMCID: PMC8962531

Color Diagnostics, LLC DBA Color Health
Classification: Uncertain significance for Familial thoracic aortic aneurysm and aortic dissection. Last evaluated: 2023-07-25. Review status: criteria provided, single submitter. Criteria: ACMG Guidelines, 2015. Collection method: clinical testing. Allele origin: germline.
Comment: This variant causes an A>G nucleotide substitution at the +4 position of intron 38 of the FBN1 gene. Splice site prediction tools predict that this variant may have a significant impact on RNA splicing. To our knowledge, RNA studies have not been performed for this variant. This variant has not been reported in individuals affected with cardiovascular disorders in the literature. This variant has been identified in 1/251198 chromosomes in the general population by the Genome Aggregation Database (gnomAD). The available evidence is insufficient to determine the role of this variant in disease conclusively. Therefore, this variant is classified as a Variant of Uncertain Significance.